The following is an entry in ClinVar:

ClinVar aggregate classification (germline): Benign/Likely benign. Review status: criteria provided, multiple submitters, no conflicts (2 of 4 stars). 5 submissions from 5 submitters: Benign (2); Likely benign (3). Last evaluated 2025-08-01.

Conditions:
Inborn genetic diseases. Identifiers: MedGen C0950123, MeSH D030342.
KBG syndrome (KBGS). Also called: ANKRD11-Related KBG Syndrome. Identifiers: Orphanet 2332, MedGen C0220687, MONDO:0007846, OMIM 148050.

Allele frequency attached by ClinVar (database versions not stated): TOPMed 0.00019; gnomAD 0.00020; 1000 Genomes Project 30x 0.00031; 1000 Genomes Project 0.00040.
gnomAD v4.1: 209 of 1,614,082 alleles (0.013%); highest among the groups gnomAD compares: East Asian, 0.11%; 2 homozygotes.

Submissions (5):

CeGaT Center for Human Genetics Tuebingen
Classification: Likely benign. Last evaluated: 2025-08-01. Review status: criteria provided, single submitter. Criteria: CeGaT Center For Human Genetics Tuebingen Variant Classification Criteria Version 2. Collection method: clinical testing. Allele origin: germline. Affected: yes. Observed: 1 variant allele.
Comment: ANKRD11: BP4, BP7

Labcorp Genetics (formerly Invitae), Labcorp
Classification: Benign for KBG syndrome. Last evaluated: 2025-07-06. Review status: criteria provided, single submitter. Criteria: Invitae Variant Classification Sherloc (09022015). Collection method: clinical testing. Allele origin: germline.

Blueprint Genetics
Classification: Likely benign. Last evaluated: 2024-10-16. Review status: criteria provided, single submitter. Criteria: ACMG Guidelines, 2015. Collection method: clinical testing. Allele origin: germline.

GeneDx
Classification: Benign. Last evaluated: 2020-12-12. Review status: criteria provided, single submitter. Criteria: GeneDx Variant Classification Process June 2021. Collection method: clinical testing. Allele origin: germline. Affected: yes.

Ambry Genetics
Classification: Likely benign for Inborn genetic diseases. Last evaluated: 2017-06-14. Review status: criteria provided, single submitter. Criteria: Ambry Variant Classification Scheme 2023. Collection method: clinical testing. Allele origin: germline.

NM_013275.6(ANKRD11):c.5073G>A (p.Ala1691=)

Gene: ANKRD11 (ankyrin repeat domain 11; minus strand). Cytogenetic location: 16q24.3.
Variant type: single nucleotide variant.
Coding change: c.5073G>A on transcript NM_013275.6 (MANE Select); coding-DNA position 5073, G replaced by A.
Protein change: p.Ala1691=; no amino-acid change (alanine 1691 retained).
Molecular consequence: synonymous variant.
Genome position (GRCh38, 1-based): chr16:89,281,469, C>T on the plus strand (G>A on the coding strand, the complement: ANKRD11 is on the minus strand). VCF-style: chr16-89281469-C-T. GRCh37 (hg19) VCF-style: chr16-89347877-C-T.
Other names: c.5073G>A, p.Ala1691= (NM_001256182.2, NM_001256183.2).
Identifiers: ClinVar variation 1227553 (VCV001227553.19), dbSNP rs192176841, ClinGen allele CA8241960.